The following is an entry in ClinVar:

NM_000038.6(APC):c.8318C>T (p.Pro2773Leu)

Gene: APC (APC regulator of Wnt signaling pathway; plus strand). Cytogenetic location: 5q22.2.
Variant type: single nucleotide variant.
Coding change: c.8318C>T on transcript NM_000038.6 (MANE Select); coding-DNA position 8318, C replaced by T.
Protein change: p.Pro2773Leu; replaces proline 2773 with leucine.
Molecular consequence: missense variant.
Genome position (GRCh38, 1-based): chr5:112,843,912, C>T. VCF-style: chr5-112843912-C-T. GRCh37 (hg19) VCF-style: chr5-112179609-C-T.
Other names: c.8318C>T, p.Pro2773Leu (NM_001127510.3, NM_001354895.2); c.8264C>T, p.Pro2755Leu (NM_001127511.3); c.8372C>T, p.Pro2791Leu (NM_001354896.2); c.8348C>T, p.Pro2783Leu (NM_001354897.2); c.8243C>T, p.Pro2748Leu (NM_001354898.2); c.8234C>T, p.Pro2745Leu (NM_001354899.2); c.8195C>T, p.Pro2732Leu (NM_001354900.2); c.8141C>T, p.Pro2714Leu (NM_001354901.2); and 5 more; short protein forms P2613L, P2647L, P2745L, P2755L, P2783L, P2732L, P2490L, P2672L.
Identifiers: ClinVar variation 966090 (VCV000966090.16), dbSNP rs1766712921, ClinGen allele CA16039384.
Genomic context (GRCh38, chr5:112,843,912, plus strand): 5'-AAAGTTCTATAGTGGAACGTACCCCATTCAGTTCTAGCAGCTCAAGCAAACACAGTTCAC[C>T]TAGTGGGACTGTTGCTGCCAGAGTGACTCCTTTTAATTACAACCCAAGCCCTAGGAAAAG-3'
Protein context (NP_000029.2, residues 2763-2783): SSSSSSKHSS[Pro2773Leu]SGTVAARVTP

ClinVar aggregate classification (germline): Uncertain significance. Review status: criteria provided, multiple submitters, no conflicts (2 of 4 stars). 4 submissions from 4 submitters: Uncertain significance (4). Last evaluated 2025-07-28.

Conditions:
Hereditary cancer-predisposing syndrome. Also called: Hereditary neoplastic syndrome; Neoplastic Syndromes, Hereditary; Hereditary Cancer Syndrome; Tumor predisposition. Identifiers: Orphanet 140162, MedGen C0027672, MeSH D009386, MONDO:0015356.
Familial adenomatous polyposis 1 (FAP1). Also called: POLYPOSIS, ADENOMATOUS INTESTINAL; FAMILIAL ADENOMATOUS POLYPOSIS 1, ATTENUATED. Identifiers: MedGen C2713442, MONDO:0021056, OMIM 175100. Disease mechanism: loss of function.

Submissions (4):

GeneDx
Classification: Uncertain significance. Last evaluated: 2025-07-28. Review status: criteria provided, single submitter. Criteria: GeneDx Variant Classification Process June 2021. Collection method: clinical testing. Allele origin: germline. Affected: yes.
Comment: Not observed at significant frequency in large population cohorts (gnomAD); In silico analysis supports that this missense variant has a deleterious effect on protein structure/function; Has not been previously published as pathogenic or benign to our knowledge; This variant is associated with the following publications: (PMID: 18199528)

Ambry Genetics
Classification: Uncertain significance for Hereditary cancer-predisposing syndrome. Last evaluated: 2025-05-24. Review status: criteria provided, single submitter. Criteria: Ambry Variant Classification Scheme 2023. Collection method: clinical testing. Allele origin: germline.
Comment: The p.P2773L variant (also known as c.8318C>T), located in coding exon 15 of the APC gene, results from a C to T substitution at nucleotide position 8318. The proline at codon 2773 is replaced by leucine, an amino acid with similar properties. This amino acid position is conserved. In addition, in silico predictors for this gene do not accurately predict pathogenicity. Since supporting evidence is limited at this time, the clinical significance of this alteration remains unclear.

Labcorp Genetics (formerly Invitae), Labcorp
Classification: Uncertain significance for Familial adenomatous polyposis 1. Last evaluated: 2024-09-16. Review status: criteria provided, single submitter. Criteria: Invitae Variant Classification Sherloc (09022015). Collection method: clinical testing. Allele origin: germline.
Comment: This sequence change replaces proline, which is neutral and non-polar, with leucine, which is neutral and non-polar, at codon 2773 of the APC protein (p.Pro2773Leu). This variant is not present in population databases (gnomAD no frequency). This variant has not been reported in the literature in individuals affected with APC-related conditions. ClinVar contains an entry for this variant (Variation ID: 966090). Invitae Evidence Modeling of protein sequence and biophysical properties (such as structural, functional, and spatial information, amino acid conservation, physicochemical variation, residue mobility, and thermodynamic stability) indicates that this missense variant is not expected to disrupt APC protein function with a negative predictive value of 95%. In summary, the available evidence is currently insufficient to determine the role of this variant in disease. Therefore, it has been classified as a Variant of Uncertain Significance.

Color Diagnostics, LLC DBA Color Health
Classification: Uncertain significance for Hereditary cancer-predisposing syndrome. Last evaluated: 2024-03-06. Review status: criteria provided, single submitter. Criteria: ACMG Guidelines, 2015. Collection method: clinical testing. Allele origin: germline.
Comment: This missense variant replaces proline with leucine at codon 2773 of the APC protein. Computational prediction is inconclusive regarding the impact of this variant on protein structure and function (internally defined REVEL score threshold 0.5 < inconclusive < 0.7, PMID: 27666373). Splice site prediction tools suggest that this variant may not impact RNA splicing. To our knowledge, functional studies have not been performed for this variant. This variant has not been reported in individuals affected with hereditary cancer in the literature. This variant has not been identified in the general population by the Genome Aggregation Database (gnomAD). The available evidence is insufficient to determine the role of this variant in disease conclusively. Therefore, this variant is classified as a Variant of Uncertain Significance.